The following is an entry in ClinVar:

NM_000400.4(ERCC2):c.1479+2T>C

Gene: ERCC2 (ERCC excision repair 2, TFIIH core complex helicase subunit; minus strand). Cytogenetic location: 19q13.32.
Variant type: single nucleotide variant.
Coding change: c.1479+2T>C on transcript NM_000400.4 (MANE Select); the canonical splice donor site of the intron after coding-DNA position 1479, T replaced by C.
Molecular consequence: splice donor variant.
Genome position (GRCh38, 1-based): chr19:45,357,268, A>G on the plus strand (T>C on the coding strand, the complement: ERCC2 is on the minus strand). VCF-style: chr19-45357268-A-G. GRCh37 (hg19) VCF-style: chr19-45860526-A-G.
Identifiers: ClinVar variation 2181858 (VCV002181858.6), dbSNP rs542268504, ClinGen allele CA9513281.
Genomic context (GRCh38, chr19:45,357,268, plus strand): 5'-AGGAGGGCGGCCCCTTGCCCCCATCTCCCCTCCCGGCCCCAGCCCTAGCCTCTCCCACTC[A>G]CCATAGGGCAGAGGCAGACCCGTGCCAGCGTCATGGTGAAGGTTGCCATGGTGACGGGGT-3'

ClinVar aggregate classification (germline): Pathogenic/Likely pathogenic. Review status: criteria provided, multiple submitters, no conflicts (2 of 4 stars). 3 submissions from 3 submitters: Pathogenic (1); Likely pathogenic (2). Last evaluated 2025-10-16.

Conditions:
Cerebrooculofacioskeletal syndrome 2 (COFS2). Identifiers: MedGen C1853102, MONDO:0012553, OMIM 610756.

Allele frequency attached by ClinVar (database versions not stated): gnomAD 0.00001; 1000 Genomes Project 30x 0.00016; gnomAD exomes below 0.00001; TOPMed 0.00001; 1000 Genomes Project 0.00020; ExAC 0.00001.
gnomAD v4.1: 3 of 1,609,980 alleles (0.00019%); highest among the groups gnomAD compares: Admixed American, 0.0033%; no homozygotes.

Submissions (3):

3billion
Classification: Pathogenic for Cerebrooculofacioskeletal syndrome 2. Last evaluated: 2025-10-16. Review status: criteria provided, single submitter. Criteria: ACMG Guidelines, 2015. Collection method: clinical testing. Allele origin: germline. Affected: yes.
Comment: The variant is observed at an extremely low frequency in the gnomAD v4.1.0 dataset (total allele frequency: <0.001%). Predicted Consequence/Location: Canonical splice site: predicted to alter splicing and result in a loss or disruption of normal protein function. Multiple pathogenic loss-of-function variants are reported downstream of the variant. The variant has been reported at least twice as pathogenic without evidence for the classification (ClinVar ID: VCV002181858). Therefore, this variant is classified as Pathogenic according to the recommendation of ACMG/AMP guideline.

Labcorp Genetics (formerly Invitae), Labcorp
Classification: Likely pathogenic. Last evaluated: 2024-06-17. Review status: criteria provided, single submitter. Criteria: Invitae Variant Classification Sherloc (09022015). Collection method: clinical testing. Allele origin: germline.
Comment: This sequence change affects a donor splice site in intron 15 of the ERCC2 gene. It is expected to disrupt RNA splicing. Variants that disrupt the donor or acceptor splice site typically lead to a loss of protein function (PMID: 16199547), and loss-of-function variants in ERCC2 are known to be pathogenic (PMID: 9238033, 11335038, 19085937, 19934020). This variant is present in population databases (rs542268504, gnomAD 0.004%). This variant has not been reported in the literature in individuals affected with ERCC2-related conditions. ClinVar contains an entry for this variant (Variation ID: 2181858). Algorithms developed to predict the effect of sequence changes on RNA splicing suggest that this variant may disrupt the consensus splice site. In summary, the currently available evidence indicates that the variant is pathogenic, but additional data are needed to prove that conclusively. Therefore, this variant has been classified as Likely Pathogenic.

Baylor Genetics
Classification: Likely pathogenic for Cerebrooculofacioskeletal syndrome 2. Last evaluated: 2023-08-01. Review status: criteria provided, single submitter. Criteria: ACMG Guidelines, 2015. Collection method: clinical testing. Allele origin: unknown.

Literature cited by the submitters: PubMed 16199547 (cited by Labcorp Genetics (formerly Invitae), Labcorp); PubMed 9238033 (cited by Labcorp Genetics (formerly Invitae), Labcorp); PubMed 11335038 (cited by Labcorp Genetics (formerly Invitae), Labcorp); PubMed 19085937 (cited by Labcorp Genetics (formerly Invitae), Labcorp); PubMed 19934020 (cited by Labcorp Genetics (formerly Invitae), Labcorp).